The following is an entry in ClinVar:

NM_002292.4(LAMB2):c.5110G>C (p.Gly1704Arg)

Gene: LAMB2 (laminin subunit beta 2; minus strand). Cytogenetic location: 3p21.31.
Variant type: single nucleotide variant.
Coding change: c.5110G>C on transcript NM_002292.4 (MANE Select); coding-DNA position 5110, G replaced by C.
Protein change: p.Gly1704Arg; replaces glycine 1704 with arginine.
Molecular consequence: missense variant.
Genome position (GRCh38, 1-based): chr3:49,121,583, C>G on the plus strand (G>C on the coding strand, the complement: LAMB2 is on the minus strand). VCF-style: chr3-49121583-C-G. GRCh37 (hg19) VCF-style: chr3-49159016-C-G.
Other names: short protein forms G1704R.
Identifiers: ClinVar variation 3589304 (VCV003589304.2).
Genomic context (GRCh38, chr3:49,121,583, plus strand): 5'-CACCTTGGGCCTTGCGCTCAGCTAGGGCCTTCACCGTCTGGTACTGATCACCCAGAGGAC[C>G]GCGTAGCAGCTGCAGATGTAGAGGGTTAGGTTAGCGTGGTAGCTCAGTGGAGGCCCATCT-3'
Protein context (NP_002283.3, residues 1694-1714): RAQEAEQLLR[Gly1704Arg]PLGDQYQTVK

ClinVar aggregate classification (germline): Uncertain significance. Review status: criteria provided, multiple submitters, no conflicts (2 of 4 stars). 2 submissions from 2 submitters: Uncertain significance (2). Last evaluated 2026-05-27.

Conditions:
Pierson syndrome. Also called: MICROCORIA-CONGENITAL NEPHROTIC SYNDROME. Identifiers: Orphanet 2670, MedGen C1836876, MONDO:0012184, OMIM 609049.
LAMB2-related infantile-onset nephrotic syndrome. Also called: NEPHROTIC SYNDROME, TYPE 5, WITHOUT OCULAR ABNORMALITIES; NEPHROTIC SYNDROME, TYPE 5, WITH OCULAR ABNORMALITIES; Nephrotic Syndrome, type 5. Identifiers: Orphanet 306507, MedGen C3280113, MONDO:0013621, OMIM 614199.

gnomAD v4.1: 7 of 1,613,832 alleles (0.00043%); highest among the groups gnomAD compares: East Asian, 0.0067%; no homozygotes.

Submissions (2):

Women's Health and Genetics/Laboratory Corporation of America, LabCorp
Classification: Uncertain significance. Last evaluated: 2026-05-27. Review status: criteria provided, single submitter. Criteria: LabCorp Variant Classification Summary - May 2015. Collection method: clinical testing. Allele origin: germline.
Comment: Variant summary: LAMB2 c.5110G>C (p.Gly1704Arg) results in a non-conservative amino acid change in the encoded protein sequence. Algorithms developed to predict the effect of missense changes on protein structure and function are either unavailable or do not agree on the potential impact of this missense change. The variant allele was found at a frequency of 1.6e-05 in 250662 control chromosomes. The available data on variant occurrences in the general population are insufficient to allow any conclusion about variant significance. To our knowledge, no occurrence of c.5110G>C in individuals affected with LAMB2-related conditions and no experimental evidence demonstrating its impact on protein function have been reported. ClinVar contains an entry for this variant (Variation ID: 3589304). Based on the evidence outlined above, the variant was classified as uncertain significance.

Fulgent Genetics
Classification: Uncertain significance for Pierson syndrome; LAMB2-related infantile-onset nephrotic syndrome. Last evaluated: 2024-02-22. Review status: criteria provided, single submitter. Criteria: ACMG Guidelines, 2015. Collection method: clinical testing. Allele origin: germline.